The following is an entry in ClinVar:

NM_001371623.1(TCOF1):c.2167_2168delinsAC (p.Gln723Thr)

Gene: TCOF1 (treacle ribosome biogenesis factor 1; plus strand). Cytogenetic location: 5q32.
Variant type: Indel.
Coding change: c.2167_2168delinsAC on transcript NM_001371623.1 (MANE Select); coding-DNA positions 2167 to 2168, CA replaced by AC.
Protein change: p.Gln723Thr; replaces glutamine 723 with threonine.
Molecular consequence: missense variant.
Genome position (GRCh38, 1-based): chr5:150,376,447-150,376,448, CA replaced by AC. VCF-style: chr5-150376447-CA-AC. GRCh37 (hg19) VCF-style: chr5-149756010-CA-AC.
Other names: c.1936_1937delinsAC, p.Gln646Thr (NM_000356.4, NM_001135245.2, NM_001437406.1); c.2167_2168delinsAC, p.Gln723Thr (NM_001008657.3, NM_001135243.2, NM_001135244.2 and 1 more transcripts); short protein forms Q646T, Q723T.
Identifiers: ClinVar variation 4082758 (VCV004082758.1).

ClinVar aggregate classification (germline): Uncertain significance (1 of 4 stars; one submission).

Submission:

GeneDx
Classification: Uncertain significance. Last evaluated: 2025-03-02. Review status: criteria provided, single submitter. Criteria: GeneDx Variant Classification Process June 2021. Collection method: clinical testing. Allele origin: germline. Affected: yes.
Comment: Not observed at significant frequency in large population cohorts (gnomAD); In silico analysis indicates that this variant does not alter protein structure/function; Has not been previously published as pathogenic or benign to our knowledge